The following is an entry in ClinVar:

ClinVar aggregate classification (germline): Benign/Likely benign. Review status: criteria provided, multiple submitters, no conflicts (2 of 4 stars). 3 submissions from 3 submitters: Benign (1); Likely benign (1). 1 of the submissions does not count toward it. Last evaluated 2026-01-21.

Conditions:
THOC2-related disorder. Also called: THOC2-related condition.

Allele frequency attached by ClinVar (database versions not stated): 1000 Genomes Project 0.00132; 1000 Genomes Project 30x 0.00146; ExAC 0.00149; gnomAD 0.00245; gnomAD exomes 0.00245 and 0.00428; TOPMed 0.00264; ESP Exome Variant Server 0.00275.
gnomAD v4.1: 4,785 of 1,169,198 alleles (0.41%); highest among the groups gnomAD compares: Non-Finnish European, 0.5%; 10 homozygotes.

Submissions (3):

Labcorp Genetics (formerly Invitae), Labcorp
Classification: Benign. Last evaluated: 2026-01-21. Review status: criteria provided, single submitter. Criteria: Invitae Variant Classification Sherloc (09022015). Collection method: clinical testing. Allele origin: germline.

Blueprint Genetics
Classification: Likely benign. Last evaluated: 2024-11-28. Review status: criteria provided, single submitter. Criteria: ACMG Guidelines, 2015. Collection method: clinical testing. Allele origin: germline.

PreventionGenetics, part of Exact Sciences
Classification: Benign for THOC2-related condition. Last evaluated: 2019-08-12. Review status: no assertion criteria provided. Collection method: clinical testing. Allele origin: germline. Not counted in ClinVar's aggregate classification.
Comment: This variant is classified as benign based on ACMG/AMP sequence variant interpretation guidelines (Richards et al. 2015 PMID: 25741868, with internal and published modifications).

NM_001081550.2(THOC2):c.3504-7C>T

Gene: THOC2 (THO complex subunit 2; minus strand). Cytogenetic location: Xq25.
Variant type: single nucleotide variant.
Coding change: c.3504-7C>T on transcript NM_001081550.2 (MANE Select); 7 bases into the intron before coding-DNA position 3504, C replaced by T.
Molecular consequence: intron variant.
Genome position (GRCh38, 1-based): chrX:123,623,290, G>A on the plus strand (C>T on the coding strand, the complement: THOC2 is on the minus strand). VCF-style: chrX-123623290-G-A. GRCh37 (hg19) VCF-style: chrX-122757141-G-A.
Identifiers: ClinVar variation 725187 (VCV000725187.8), dbSNP rs186145610, ClinGen allele CA10507441.
Genomic context (GRCh38, chrX:123,623,290, plus strand): 5'-AACTCATTTTCAGGTATCATGTATGACTTTCTACTTTTCAACTGCCCAGAGTAGCTGAAA[G>A]TCGCACAAAGTGTTTAAATATACAAACACAAATCAAAAAACATAAACATGAGGTTTTTAA-3'